The following is an entry in ClinVar:

NM_006904.7(PRKDC):c.2786C>T (p.Ala929Val)

Gene: PRKDC (protein kinase, DNA-activated, catalytic subunit; minus strand). Cytogenetic location: 8q11.21.
Variant type: single nucleotide variant.
Coding change: c.2786C>T on transcript NM_006904.7 (MANE Select); coding-DNA position 2786, C replaced by T.
Protein change: p.Ala929Val; replaces alanine 929 with valine.
Molecular consequence: missense variant.
Genome position (GRCh38, 1-based): chr8:47,912,558, G>A on the plus strand (C>T on the coding strand, the complement: PRKDC is on the minus strand). VCF-style: chr8-47912558-G-A. GRCh37 (hg19) VCF-style: chr8-48825118-G-A.
Other names: c.2786C>T, p.Ala929Val (NM_001081640.2); short protein forms A929V.
Identifiers: ClinVar variation 2012292 (VCV002012292.4), dbSNP rs2551876679, ClinGen allele CA371158974.
Genomic context (GRCh38, chr8:47,912,558, plus strand): 5'-GGCATCTGCGTGGCTTTGCCCAACATAAACATAACCATGCTATGTAAAAGTTCACAGGCT[G>A]CAACCTAAAACAGACCAGGAGGTCAGCAATGTTTAAGTTATCACGTTGATGACAAGAGAA-3'
Protein context (NP_008835.5, residues 919-939): LTASDRQTKV[Ala929Val]ACELLHSMVM

ClinVar aggregate classification (germline): Uncertain significance (1 of 4 stars; one submission).

Conditions:
Severe combined immunodeficiency due to DNA-PKcs deficiency. Also called: Immunodeficiency 26 with or without neurologic abnormalities; IMMUNODEFICIENCY 26 WITH NEUROLOGIC ABNORMALITIES. Identifiers: Orphanet 317425, MedGen C4014833, MONDO:0014423, OMIM 615966.

Submission:

Labcorp Genetics (formerly Invitae), Labcorp
Classification: Uncertain significance for Severe combined immunodeficiency due to DNA-PKcs deficiency. Last evaluated: 2022-09-07. Review status: criteria provided, single submitter. Criteria: Invitae Variant Classification Sherloc (09022015). Collection method: clinical testing. Allele origin: germline.
Comment: Experimental studies and prediction algorithms are not available or were not evaluated, and the functional significance of this variant is currently unknown. In summary, the available evidence is currently insufficient to determine the role of this variant in disease. Therefore, it has been classified as a Variant of Uncertain Significance. This variant has not been reported in the literature in individuals affected with PRKDC-related conditions. This variant is not present in population databases (gnomAD no frequency). This sequence change replaces alanine, which is neutral and non-polar, with valine, which is neutral and non-polar, at codon 929 of the PRKDC protein (p.Ala929Val).